The following is an entry in ClinVar:

NM_004606.5(TAF1):c.4729C>G (p.Leu1577Val)

Gene: TAF1 (TATA-box binding protein associated factor 1; plus strand). Cytogenetic location: Xq13.1.
Variant type: single nucleotide variant.
Coding change: c.4729C>G on transcript NM_004606.5 (MANE Select); coding-DNA position 4729, C replaced by G.
Protein change: p.Leu1577Val; replaces leucine 1577 with valine.
Molecular consequence: missense variant. On other transcripts: non-coding transcript variant (9).
Genome position (GRCh38, 1-based): chrX:71,424,214, C>G. VCF-style: chrX-71424214-C-G. GRCh37 (hg19) VCF-style: chrX-70644064-C-G.
Other names: c.4729C>G, p.Leu1577Val (NM_001286074.2); c.4666C>G, p.Leu1556Val (NM_138923.4); c.4789C>G (NM_001286074.1); short protein forms L1556V, L1577V.
Identifiers: ClinVar variation 2201224 (VCV002201224.7), dbSNP rs770995986, ClinGen allele CA10447227.

ClinVar aggregate classification (germline): Benign/Likely benign. Review status: criteria provided, multiple submitters, no conflicts (2 of 4 stars). 3 submissions from 3 submitters: Benign (1); Likely benign (1). 1 of the submissions does not count toward it. Last evaluated 2024-05-06.

Conditions:
TAF1-related disorder. Also called: TAF1-related condition.

Allele frequency attached by ClinVar (database versions not stated): TOPMed below 0.00001; gnomAD 0.00003; gnomAD exomes 0.00003; ExAC 0.00007.
gnomAD v4.1: 38 of 1,205,348 alleles (0.0032%); highest among the groups gnomAD compares: Non-Finnish European, 0.0015%; no homozygotes.

Submissions (3):

Labcorp Genetics (formerly Invitae), Labcorp
Classification: Benign. Last evaluated: 2024-05-06. Review status: criteria provided, single submitter. Criteria: Invitae Variant Classification Sherloc (09022015). Collection method: clinical testing. Allele origin: germline.

Blueprint Genetics
Classification: Likely benign. Last evaluated: 2023-08-24. Review status: criteria provided, single submitter. Criteria: ACMG Guidelines, 2015. Collection method: clinical testing. Allele origin: germline.

PreventionGenetics, part of Exact Sciences
Classification: Likely benign for TAF1-related condition. Last evaluated: 2021-01-05. Review status: no assertion criteria provided. Collection method: clinical testing. Allele origin: germline. Not counted in ClinVar's aggregate classification.
Comment: This variant is classified as likely benign based on ACMG/AMP sequence variant interpretation guidelines (Richards et al. 2015 PMID: 25741868, with internal and published modifications).